The following is an entry in ClinVar:

ClinVar aggregate classification (germline): Uncertain significance (1 of 4 stars; one submission).

Submission:

Labcorp Genetics (formerly Invitae), Labcorp
Classification: Uncertain significance. Last evaluated: 2025-01-07. Review status: criteria provided, single submitter. Criteria: Invitae Variant Classification Sherloc (09022015). Collection method: clinical testing. Allele origin: germline.
Comment: This sequence change replaces leucine, which is neutral and non-polar, with valine, which is neutral and non-polar, at codon 432 of the MCM4 protein (p.Leu432Val). This variant is not present in population databases (gnomAD no frequency). This variant has not been reported in the literature in individuals affected with MCM4-related conditions. An algorithm developed to predict the effect of missense changes on protein structure and function (PolyPhen-2) suggests that this variant is likely to be tolerated. In summary, the available evidence is currently insufficient to determine the role of this variant in disease. Therefore, it has been classified as a Variant of Uncertain Significance.

NM_182746.3(MCM4):c.1294C>G (p.Leu432Val)

Gene: MCM4 (minichromosome maintenance complex component 4; plus strand). Cytogenetic location: 8q11.21.
Variant type: single nucleotide variant.
Coding change: c.1294C>G on transcript NM_182746.3 (MANE Select); coding-DNA position 1294, C replaced by G.
Protein change: p.Leu432Val; replaces leucine 432 with valine.
Molecular consequence: missense variant.
Genome position (GRCh38, 1-based): chr8:47,969,917, C>G. VCF-style: chr8-47969917-C-G. GRCh37 (hg19) VCF-style: chr8-48882477-C-G.
Other names: c.1294C>G, p.Leu432Val (NM_005914.4); short protein forms L432V.
Identifiers: ClinVar variation 3672756 (VCV003672756.2).